The following is an entry in ClinVar:

NM_004260.4(RECQL4):c.701C>T (p.Ser234Phe)

Gene: RECQL4 (RecQ like helicase 4; minus strand). Cytogenetic location: 8q24.3.
Variant type: single nucleotide variant.
Coding change: c.701C>T on transcript NM_004260.4 (MANE Select); coding-DNA position 701, C replaced by T.
Protein change: p.Ser234Phe; replaces serine 234 with phenylalanine.
Molecular consequence: missense variant.
Genome position (GRCh38, 1-based): chr8:144,516,418, G>A on the plus strand (C>T on the coding strand, the complement: RECQL4 is on the minus strand). VCF-style: chr8-144516418-G-A. GRCh37 (hg19) VCF-style: chr8-145741802-G-A.
Other names: short protein forms S234F.
Identifiers: ClinVar variation 1011087 (VCV001011087.3), dbSNP rs746487281, ClinGen allele CA372689605.

ClinVar aggregate classification (germline): Uncertain significance (1 of 4 stars; one submission).

Conditions:
Baller-Gerold syndrome (BGS). Also called: CRANIOSYNOSTOSIS WITH RADIAL DEFECTS. Identifiers: Orphanet 1225, MedGen C0265308, MONDO:0009039, OMIM 218600.

gnomAD v4.1: 3 of 1,609,398 alleles (0.00019%); highest among the groups gnomAD compares: Non-Finnish European, 0.00017%; no homozygotes.

Submission:

Labcorp Genetics (formerly Invitae), Labcorp
Classification: Uncertain significance for Baller-Gerold syndrome. Last evaluated: 2023-03-17. Review status: criteria provided, single submitter. Criteria: Invitae Variant Classification Sherloc (09022015). Collection method: clinical testing. Allele origin: germline.
Comment: In summary, the available evidence is currently insufficient to determine the role of this variant in disease. Therefore, it has been classified as a Variant of Uncertain Significance. Algorithms developed to predict the effect of sequence changes on RNA splicing suggest that this variant may create or strengthen a splice site. Experimental studies and prediction algorithms are not available or were not evaluated, and the functional significance of this variant is currently unknown. ClinVar contains an entry for this variant (Variation ID: 1011087). This variant has not been reported in the literature in individuals affected with RECQL4-related conditions. This variant is not present in population databases (gnomAD no frequency). This sequence change replaces serine, which is neutral and polar, with phenylalanine, which is neutral and non-polar, at codon 234 of the RECQL4 protein (p.Ser234Phe).